The following is an entry in ClinVar:

NM_020134.4(DPYSL5):c.1554C>T (p.Pro518=)

Gene: DPYSL5 (dihydropyrimidinase like 5; plus strand). Cytogenetic location: 2p23.3.
Variant type: single nucleotide variant.
Coding change: c.1554C>T on transcript NM_020134.4 (MANE Select); coding-DNA position 1554, C replaced by T.
Protein change: p.Pro518=; no amino-acid change (proline 518 retained).
Molecular consequence: synonymous variant.
Genome position (GRCh38, 1-based): chr2:26,944,769, C>T. VCF-style: chr2-26944769-C-T. GRCh37 (hg19) VCF-style: chr2-27167637-C-T.
Other names: c.1554C>T, p.Pro518= (NM_001253723.2, NM_001253724.2).
Identifiers: ClinVar variation 4821485 (VCV004821485.4).

ClinVar aggregate classification (germline): Likely benign (1 of 4 stars; one submission).

gnomAD v4.1: 71 of 1,614,014 alleles (0.0044%); highest among the groups gnomAD compares: Middle Eastern, 0.016%; 1 homozygote.

Submission:

CeGaT Center for Human Genetics Tuebingen
Classification: Likely benign. Last evaluated: 2026-03-01. Review status: criteria provided, single submitter. Criteria: CeGaT Center For Human Genetics Tuebingen Variant Classification Criteria Version 2. Collection method: clinical testing. Allele origin: germline. Affected: yes. Observed: 1 variant allele.
Comment: DPYSL5: BP4, BP7